The following is an entry in ClinVar:

ClinVar aggregate classification (germline): Uncertain significance (1 of 4 stars; one submission).

Submission:

Labcorp Genetics (formerly Invitae), Labcorp
Classification: Uncertain significance. Last evaluated: 2024-09-02. Review status: criteria provided, single submitter. Criteria: Invitae Variant Classification Sherloc (09022015). Collection method: clinical testing. Allele origin: germline.
Comment: This sequence change replaces proline, which is neutral and non-polar, with serine, which is neutral and polar, at codon 385 of the MYLK3 protein (p.Pro385Ser). This variant is not present in population databases (gnomAD no frequency). This variant has not been reported in the literature in individuals affected with MYLK3-related conditions. An algorithm developed to predict the effect of missense changes on protein structure and function outputs the following: PolyPhen-2: "Benign". The serine amino acid residue is found in multiple mammalian species, which suggests that this missense change does not adversely affect protein function. In summary, the available evidence is currently insufficient to determine the role of this variant in disease. Therefore, it has been classified as a Variant of Uncertain Significance.

NM_182493.3(MYLK3):c.1153C>T (p.Pro385Ser)

Gene: MYLK3 (myosin light chain kinase 3; minus strand). Cytogenetic location: 16q11.2.
Variant type: single nucleotide variant.
Coding change: c.1153C>T on transcript NM_182493.3 (MANE Select); coding-DNA position 1153, C replaced by T.
Protein change: p.Pro385Ser; replaces proline 385 with serine.
Molecular consequence: missense variant.
Genome position (GRCh38, 1-based): chr16:46,732,517, G>A on the plus strand (C>T on the coding strand, the complement: MYLK3 is on the minus strand). VCF-style: chr16-46732517-G-A. GRCh37 (hg19) VCF-style: chr16-46766429-G-A.
Other names: c.130C>T, p.Pro44Ser (NM_001308301.1); short protein forms P385S, P44S.
Identifiers: ClinVar variation 3697731 (VCV003697731.2).
Genomic context (GRCh38, chr16:46,732,517, plus strand): 5'-CCTGCAGCGGGGAGAGCTCTCTGGCTCCTTCAGGGGTCTGTTCTCCGGGCTCAGTCCCAG[G>A]GGCTTGGAGGCAGCGCCCGGTCCCAGGTGGGCCCTGCTTGCCTGGCTGGGCAGCTGCTGG-3'
Protein context (NP_872299.2, residues 375-395): PPGTGRCLQA[Pro385Ser]GTEPGEQTPE